The following is an entry in ClinVar:

NM_005677.4(COLQ):c.291G>A (p.Ser97=)

Gene: COLQ (collagen like tail subunit of asymmetric acetylcholinesterase; minus strand). Cytogenetic location: 3p25.1.
Variant type: single nucleotide variant.
Coding change: c.291G>A on transcript NM_005677.4 (MANE Select); coding-DNA position 291, G replaced by A.
Protein change: p.Ser97=; no amino-acid change (serine 97 retained).
Molecular consequence: synonymous variant. On other transcripts: intron variant (1).
Genome position (GRCh38, 1-based): chr3:15,488,236, C>T on the plus strand (G>A on the coding strand, the complement: COLQ is on the minus strand). VCF-style: chr3-15488236-C-T. GRCh37 (hg19) VCF-style: chr3-15529743-C-T.
Other names: p.Ser97=; c.261G>A, p.Ser87= (NM_080538.2); c.219+1289G>A (NM_080539.4).
Identifiers: ClinVar variation 196415 (VCV000196415.56), dbSNP rs115201284, ClinGen allele CA202363.

ClinVar aggregate classification (germline): Benign/Likely benign. Review status: criteria provided, multiple submitters, no conflicts (2 of 4 stars). 8 submissions from 8 submitters: Benign (4); Likely benign (4). Last evaluated 2026-06-01.

Conditions:
Congenital myasthenic syndrome 5. Identifiers: Orphanet 590, MedGen C1864233, MONDO:0011281, OMIM 603034.

Allele frequency attached by ClinVar (database versions not stated): 1000 Genomes Project 30x 0.00281; 1000 Genomes Project 0.00300; TOPMed 0.00482; ESP Exome Variant Server 0.00630; gnomAD 0.00908.
gnomAD v4.1: 13,178 of 1,613,076 alleles (0.82%); highest among the groups gnomAD compares: Non-Finnish European, 0.87%; 83 homozygotes.

Submissions (8):

CeGaT Center for Human Genetics Tuebingen
Classification: Likely benign. Last evaluated: 2026-06-01. Review status: criteria provided, single submitter. Criteria: CeGaT Center For Human Genetics Tuebingen Variant Classification Criteria Version 2. Collection method: clinical testing. Allele origin: germline. Affected: yes. Observed: 5 variant alleles.
Comment: COLQ: BP4, BP7, BS2

Labcorp Genetics (formerly Invitae), Labcorp
Classification: Benign for Congenital myasthenic syndrome 5. Last evaluated: 2026-02-04. Review status: criteria provided, single submitter. Criteria: Invitae Variant Classification Sherloc (09022015). Collection method: clinical testing. Allele origin: germline.

Mayo Clinic Laboratories, Mayo Clinic
Classification: Benign. Last evaluated: 2023-05-02. Review status: criteria provided, single submitter. Criteria: ACMG Guidelines, 2015. Collection method: clinical testing. Allele origin: germline. Observed: 4 variant alleles.
Comment: BS1, BS2, BP4, BP7

Illumina Laboratory Services, Illumina
Classification: Likely benign for Congenital myasthenic syndrome 5. Last evaluated: 2018-01-12. Review status: criteria provided, single submitter. Criteria: ICSL Variant Classification Criteria 13 December 2019. Collection method: clinical testing. Allele origin: germline.
Comment: This variant was observed in the ICSL laboratory as part of a predisposition screen in an ostensibly healthy population. It had not been previously curated by ICSL or reported in the Human Gene Mutation Database (HGMD: prior to June 1st, 2018), and was therefore a candidate for classification through an automated scoring system. Utilizing variant allele frequency, disease prevalence and penetrance estimates, and inheritance mode, an automated score was calculated to assess if this variant is too frequent to cause the disease. Based on the score and internal cut-off values, a variant classified as likely benign is not then subjected to further curation. The score for this variant resulted in a classification of likely benign for this disease.

GeneDx
Classification: Benign. Last evaluated: 2016-12-19. Review status: criteria provided, single submitter. Criteria: GeneDx Variant Classification (06012015). Collection method: clinical testing. Allele origin: germline. Affected: yes.
Comment: This variant is considered likely benign or benign based on one or more of the following criteria: it is a conservative change, it occurs at a poorly conserved position in the protein, it is predicted to be benign by multiple in silico algorithms, and/or has population frequency not consistent with disease.

Eurofins Ntd Llc (ga)
Classification: Benign. Last evaluated: 2015-06-16. Review status: criteria provided, single submitter. Criteria: EGL Classification Definitions 2015. Collection method: clinical testing. Allele origin: germline. Observed: 1 variant allele, 1 heterozygote.

Breakthrough Genomics
Classification: Likely benign. Review status: criteria provided, single submitter. Criteria: ACMG Guidelines, 2015. Collection method: not provided. Allele origin: germline. Inheritance: Autosomal recessive inheritance. Affected: yes.

PreventionGenetics, part of Exact Sciences
Classification: Likely benign. Review status: criteria provided, single submitter. Criteria: ACMG Guidelines, 2015. Collection method: clinical testing. Allele origin: germline.